The following is an entry in ClinVar:

ClinVar aggregate classification (germline): Uncertain significance. Review status: criteria provided, multiple submitters, no conflicts (2 of 4 stars). 2 submissions from 2 submitters: Uncertain significance (2). Last evaluated 2023-12-11.

Allele frequency attached by ClinVar (database versions not stated): gnomAD 0.00001; TOPMed 0.00001; ExAC 0.00003; ESP Exome Variant Server 0.00008.
gnomAD v4.1: 20 of 1,611,842 alleles (0.0012%); highest among the groups gnomAD compares: Non-Finnish European, 0.0016%; no homozygotes.

Submissions (2):

Ambry Genetics
Classification: Uncertain significance. Last evaluated: 2023-12-11. Review status: criteria provided, single submitter. Criteria: Ambry Variant Classification Scheme 2023. Collection method: clinical testing. Allele origin: germline.

Labcorp Genetics (formerly Invitae), Labcorp
Classification: Uncertain significance. Last evaluated: 2023-10-14. Review status: criteria provided, single submitter. Criteria: Invitae Variant Classification Sherloc (09022015). Collection method: clinical testing. Allele origin: germline.
Comment: This sequence change replaces glycine, which is neutral and non-polar, with serine, which is neutral and polar, at codon 454 of the ITGAM protein (p.Gly454Ser). This variant is present in population databases (rs375852711, gnomAD 0.004%). This variant has not been reported in the literature in individuals affected with ITGAM-related conditions. An algorithm developed to predict the effect of missense changes on protein structure and function (PolyPhen-2) suggests that this variant is likely to be disruptive. In summary, the available evidence is currently insufficient to determine the role of this variant in disease. Therefore, it has been classified as a Variant of Uncertain Significance.

NM_000632.4(ITGAM):c.1360G>A (p.Gly454Ser)

Gene: ITGAM (integrin subunit alpha M; plus strand). Cytogenetic location: 16p11.2.
Variant type: single nucleotide variant.
Coding change: c.1360G>A on transcript NM_000632.4 (MANE Select); coding-DNA position 1360, G replaced by A.
Protein change: p.Gly454Ser; replaces glycine 454 with serine.
Molecular consequence: missense variant.
Genome position (GRCh38, 1-based): chr16:31,297,517, G>A. VCF-style: chr16-31297517-G-A. GRCh37 (hg19) VCF-style: chr16-31308838-G-A.
Other names: c.1360G>A (NM_000632.3); c.1360G>A, p.Gly454Ser (NM_001145808.2); short protein forms G454S.
Identifiers: ClinVar variation 3006273 (VCV003006273.4), dbSNP rs375852711, ClinGen allele CA8025524.
Genomic context (GRCh38, chr16:31,297,517, plus strand): 5'-CCTCCACATCTGCTTTAGGTGGGAAGAGGTGTGTGATTACGGTCCTGTCTCTTTCAGATC[G>A]GCGCCTACTTCGGGGCCTCCCTCTGCTCCGTGGACGTGGACAGCAACGGCAGCACCGACC-3'
Protein context (NP_000623.2, residues 444-464): SNANVKGTQI[Gly454Ser]AYFGASLCSV